The following is an entry in ClinVar:

ClinVar aggregate classification (germline): Likely benign (1 of 4 stars; one submission).

Conditions:
Developmental and epileptic encephalopathy, 56. Also called: EPILEPTIC ENCEPHALOPATHY, EARLY INFANTILE, 56. Identifiers: MedGen C4540034, MONDO:0033365, OMIM 617665.

Submission:

Centre of Medical Genetics, University Hospital Muenster
Classification: Likely benign for Developmental and epileptic encephalopathy, 56. Last evaluated: 2022-02-01. Review status: criteria provided, single submitter. Criteria: ACMG Guidelines, 2015. Collection method: clinical testing. Allele origin: germline. Affected: yes. Observed: 1 variant allele, 1 heterozygote.
Comment: ACMG categories: BS4,BP1

NM_012479.4(YWHAG):c.722A>G (p.Asp241Gly)

Gene: YWHAG (tyrosine 3-monooxygenase/tryptophan 5-monooxygenase activation protein gamma; minus strand). Cytogenetic location: 7q11.23.
Variant type: single nucleotide variant.
Coding change: c.722A>G on transcript NM_012479.4 (MANE Select); coding-DNA position 722, A replaced by G.
Protein change: p.Asp241Gly; replaces aspartic acid 241 with glycine.
Molecular consequence: missense variant.
Genome position (GRCh38, 1-based): chr7:76,329,599, T>C on the plus strand (A>G on the coding strand, the complement: YWHAG is on the minus strand). VCF-style: chr7-76329599-T-C. GRCh37 (hg19) VCF-style: chr7-75958916-T-C.
Other names: short protein forms D241G.
Identifiers: ClinVar variation 1676795 (VCV001676795.2), dbSNP rs2115587211, ClinGen allele CA367775983.